The following is an entry in ClinVar:

ClinVar aggregate classification (germline): Uncertain significance (1 of 4 stars; one submission).

Submission:

GeneDx
Classification: Uncertain significance. Last evaluated: 2024-10-21. Review status: criteria provided, single submitter. Criteria: GeneDx Variant Classification Process June 2021. Collection method: clinical testing. Allele origin: germline. Affected: yes.
Comment: Not observed at significant frequency in large population cohorts (gnomAD); In silico analysis supports that this missense variant has a deleterious effect on protein structure/function; Has not been previously published as pathogenic or benign to our knowledge

NM_001458.5(FLNC):c.91G>C (p.Asp31His)

Gene: FLNC (filamin C; plus strand). Cytogenetic location: 7q32.1.
Variant type: single nucleotide variant.
Coding change: c.91G>C on transcript NM_001458.5 (MANE Select); coding-DNA position 91, G replaced by C.
Protein change: p.Asp31His; replaces aspartic acid 31 with histidine.
Molecular consequence: missense variant.
Genome position (GRCh38, 1-based): chr7:128,830,728, G>C. VCF-style: chr7-128830728-G-C. GRCh37 (hg19) VCF-style: chr7-128470782-G-C.
Other names: c.91G>C, p.Asp31His (NM_001127487.2); short protein forms D31H.
Identifiers: ClinVar variation 3781073 (VCV003781073.1).